The following is an entry in ClinVar:

ClinVar aggregate classification (germline): Uncertain significance (1 of 4 stars; one submission).

Conditions:
Inborn genetic diseases. Identifiers: MedGen C0950123, MeSH D030342.

Submission:

Ambry Genetics
Classification: Uncertain significance for Inborn genetic diseases. Last evaluated: 2025-08-20. Review status: criteria provided, single submitter. Criteria: Ambry Variant Classification Scheme 2023. Collection method: clinical testing. Allele origin: germline.
Comment: The p.N181I variant (also known as c.542A>T), located in coding exon 4 of the SBDS gene, results from an A to T substitution at nucleotide position 542. The asparagine at codon 181 is replaced by isoleucine, an amino acid with dissimilar properties. This amino acid position is conserved. In addition, the in silico prediction for this alteration is inconclusive. Based on the available evidence, the clinical significance of this variant remains unclear.

NM_016038.4(SBDS):c.542A>T (p.Asn181Ile)

Gene: SBDS (SBDS ribosome maturation factor; minus strand). Cytogenetic location: 7q11.21.
Variant type: single nucleotide variant.
Coding change: c.542A>T on transcript NM_016038.4 (MANE Select); coding-DNA position 542, A replaced by T.
Protein change: p.Asn181Ile; replaces asparagine 181 with isoleucine.
Molecular consequence: missense variant.
Genome position (GRCh38, 1-based): chr7:66,991,219, T>A on the plus strand (A>T on the coding strand, the complement: SBDS is on the minus strand). VCF-style: chr7-66991219-T-A. GRCh37 (hg19) VCF-style: chr7-66456206-T-A.
Other names: short protein forms N181I.
Identifiers: ClinVar variation 4159828 (VCV004159828.1).